The following is an entry in ClinVar:

NM_017934.7(PHIP):c.4478A>C (p.Gln1493Pro)

Genes: IRAK1BP1 (interleukin 1 receptor associated kinase 1 binding protein 1; plus strand), PHIP (PHIP subunit of CUL4-Ring ligase complex; minus strand). Cytogenetic location: 6q14.1.
Variant type: single nucleotide variant.
Coding change: c.4478A>C on transcript NM_017934.7 (MANE Select); coding-DNA position 4478, A replaced by C.
Protein change: p.Gln1493Pro; replaces glutamine 1493 with proline.
Molecular consequence: missense variant.
Genome position (GRCh38, 1-based): chr6:78,946,153, T>G on the plus strand (A>C on the coding strand, the complement: PHIP is on the minus strand). VCF-style: chr6-78946153-T-G. GRCh37 (hg19) VCF-style: chr6-79655870-T-G.
Other names: short protein forms Q1493P.
Identifiers: ClinVar variation 3671018 (VCV003671018.2).

ClinVar aggregate classification (germline): Uncertain significance (1 of 4 stars; one submission).

gnomAD v4.1: 12 of 1,614,132 alleles (0.00074%); highest among the groups gnomAD compares: Non-Finnish European, 0.00093%; no homozygotes.

Submission:

Labcorp Genetics (formerly Invitae), Labcorp
Classification: Uncertain significance. Last evaluated: 2024-10-16. Review status: criteria provided, single submitter. Criteria: Invitae Variant Classification Sherloc (09022015). Collection method: clinical testing. Allele origin: germline.
Comment: This sequence change replaces glutamine, which is neutral and polar, with proline, which is neutral and non-polar, at codon 1493 of the PHIP protein (p.Gln1493Pro). This variant is not present in population databases (gnomAD no frequency). This variant has not been reported in the literature in individuals affected with PHIP-related conditions. Invitae Evidence Modeling of protein sequence and biophysical properties (such as structural, functional, and spatial information, amino acid conservation, physicochemical variation, residue mobility, and thermodynamic stability) indicates that this missense variant is not expected to disrupt PHIP protein function with a negative predictive value of 95%. In summary, the available evidence is currently insufficient to determine the role of this variant in disease. Therefore, it has been classified as a Variant of Uncertain Significance.